The following is an entry in ClinVar:

NM_032043.3(BRIP1):c.2498T>C (p.Ile833Thr)

Gene: BRIP1 (BRCA1 interacting DNA helicase 1; minus strand). Cytogenetic location: 17q23.2.
Variant type: single nucleotide variant.
Coding change: c.2498T>C on transcript NM_032043.3 (MANE Select); coding-DNA position 2498, T replaced by C.
Protein change: p.Ile833Thr; replaces isoleucine 833 with threonine.
Molecular consequence: missense variant.
Genome position (GRCh38, 1-based): chr17:61,693,507, A>G on the plus strand (T>C on the coding strand, the complement: BRIP1 is on the minus strand). VCF-style: chr17-61693507-A-G. GRCh37 (hg19) VCF-style: chr17-59770868-A-G.
Other names: short protein forms I833T.
Identifiers: ClinVar variation 234220 (VCV000234220.59), dbSNP rs876660936, ClinGen allele CA10580799.

ClinVar aggregate classification (germline): Uncertain significance. Review status: criteria provided, multiple submitters, no conflicts (2 of 4 stars). 7 submissions from 7 submitters: Uncertain significance (7). Last evaluated 2026-01-13.

Conditions:
Hereditary cancer-predisposing syndrome. Also called: Neoplastic Syndromes, Hereditary; Hereditary Cancer Syndrome; Tumor predisposition; Hereditary neoplastic syndrome. Identifiers: Orphanet 140162, MedGen C0027672, MeSH D009386, MONDO:0015356.
Fanconi anemia complementation group J. Also called: BRIP1-Related Fanconi Anemia. Identifiers: Orphanet 84, MedGen C1836860, MONDO:0012187, OMIM 609054.
Familial cancer of breast. Also called: Hereditary breast cancer; hereditary breast carcinoma; BREAST CANCER, FAMILIAL. Identifiers: Orphanet 227535, MedGen C0346153, MONDO:0016419, OMIM 114480. Disease mechanism: loss of function.

Submissions (7):

Labcorp Genetics (formerly Invitae), Labcorp
Classification: Uncertain significance for Familial cancer of breast; Fanconi anemia complementation group J. Last evaluated: 2026-01-13. Review status: criteria provided, single submitter. Criteria: Invitae Variant Classification Sherloc (09022015). Collection method: clinical testing. Allele origin: germline.
Comment: This sequence change replaces isoleucine, which is neutral and non-polar, with threonine, which is neutral and polar, at codon 833 of the BRIP1 protein (p.Ile833Thr). This variant is not present in population databases (gnomAD no frequency). This variant has not been reported in the literature in individuals affected with BRIP1-related conditions. ClinVar contains an entry for this variant (Variation ID: 234220). Invitae Evidence Modeling of protein sequence and biophysical properties (such as structural, functional, and spatial information, amino acid conservation, physicochemical variation, residue mobility, and thermodynamic stability) has been performed for this missense variant. However, the output from this modeling did not meet the statistical confidence thresholds required to predict the impact of this variant on BRIP1 protein function. In summary, the available evidence is currently insufficient to determine the role of this variant in disease. Therefore, it has been classified as a Variant of Uncertain Significance.

Ambry Genetics
Classification: Uncertain significance for Hereditary cancer-predisposing syndrome. Last evaluated: 2025-07-18. Review status: criteria provided, single submitter. Criteria: Ambry Variant Classification Scheme 2023. Collection method: clinical testing. Allele origin: germline.
Comment: The p.I833T variant (also known as c.2498T>C), located in coding exon 17 of the BRIP1 gene, results from a T to C substitution at nucleotide position 2498. The isoleucine at codon 833 is replaced by threonine, an amino acid with similar properties. This amino acid position is highly conserved in available vertebrate species. In addition, this alteration is predicted to be deleterious by in silico analysis. Based on the available evidence, the clinical significance of this variant remains unclear.

St. Jude Molecular Pathology, St. Jude Children's Research Hospital
Classification: Uncertain significance for Familial cancer of breast. Last evaluated: 2025-06-17. Review status: criteria provided, single submitter. Criteria: St. Jude Assertion Criteria 2020. Collection method: clinical testing. Allele origin: germline.
Comment: The BRIP1 c.2498T>C p.(Ile833Thr) missense change is absent in gnomAD v2.1.1. The in silico tool REVEL predicts a deleterious effect on protein function, but to our knowledge this prediction has not been confirmed by functional studies. To our knowledge, this variant has not been reported in the literature in individuals with BRIP1-associated conditions. In summary, the evidence currently available is insufficient to determine the clinical significance of this variant. It has therefore been classified as of uncertain significance.

Baylor Genetics
Classification: Uncertain significance for Familial cancer of breast. Last evaluated: 2024-03-18. Review status: criteria provided, single submitter. Criteria: ACMG Guidelines, 2015. Collection method: clinical testing. Allele origin: unknown.

Color Diagnostics, LLC DBA Color Health
Classification: Uncertain significance for Hereditary cancer-predisposing syndrome. Last evaluated: 2023-12-05. Review status: criteria provided, single submitter. Criteria: ACMG Guidelines, 2015. Collection method: clinical testing. Allele origin: germline.
Comment: This missense variant replaces isoleucine with threonine at codon 833 of the BRIP1 protein. Computational prediction suggests that this variant may have deleterious impact on protein structure and function (internally defined REVEL score threshold >= 0.7, PMID: 27666373). To our knowledge, functional studies have not been reported for this variant. This variant has not been reported in individuals affected with BRIP1-related disorders in the literature. This variant has not been identified in the general population by the Genome Aggregation Database (gnomAD). The available evidence is insufficient to determine the role of this variant in disease conclusively. Therefore, this variant is classified as a Variant of Uncertain Significance.

GeneDx
Classification: Uncertain significance. Last evaluated: 2023-02-06. Review status: criteria provided, single submitter. Criteria: GeneDx Variant Classification Process June 2021. Collection method: clinical testing. Allele origin: germline. Affected: yes.
Comment: Not observed at significant frequency in large population cohorts (gnomAD); In silico analysis supports that this missense variant has a deleterious effect on protein structure/function; Has not been previously published as pathogenic or benign to our knowledge; This variant is associated with the following publications: (PMID: 11301010)

CeGaT Center for Human Genetics Tuebingen
Classification: Uncertain significance. Last evaluated: 2020-10-01. Review status: criteria provided, single submitter. Criteria: CeGaT Center For Human Genetics Tuebingen Variant Classification Criteria Version 2. Collection method: clinical testing. Allele origin: germline. Affected: yes. Observed: 1 variant allele.